The following is an entry in ClinVar:

ClinVar aggregate classification (germline): Likely benign. Review status: criteria provided, multiple submitters, no conflicts (2 of 4 stars). 2 submissions from 2 submitters: Likely benign (2). Last evaluated 2025-04-10.

Conditions:
Familial cancer of breast. Also called: Hereditary breast cancer; BREAST CANCER, FAMILIAL; hereditary breast carcinoma. Identifiers: Orphanet 227535, MedGen C0346153, MONDO:0016419, OMIM 114480. Disease mechanism: loss of function.

Submissions (2):

Labcorp Genetics (formerly Invitae), Labcorp
Classification: Likely benign for Familial cancer of breast. Last evaluated: 2025-04-10. Review status: criteria provided, single submitter. Criteria: Invitae Variant Classification Sherloc (09022015). Collection method: clinical testing. Allele origin: germline.

Myriad Genetics, Inc.
Classification: Likely benign for Familial cancer of breast. Last evaluated: 2024-10-03. Review status: criteria provided, single submitter. Criteria: Myriad Autosomal Dominant, Autosomal Recessive and X-Linked Classification Criteria (2023). Collection method: clinical testing. Allele origin: unknown.
Comment: This variant is considered likely benign. This variant is intronic and is not expected to impact mRNA splicing.

NM_007194.4(CHEK2):c.684-14G>A

Gene: CHEK2 (checkpoint kinase 2; minus strand). Cytogenetic location: 22q12.1.
Variant type: single nucleotide variant.
Coding change: c.684-14G>A on transcript NM_007194.4 (MANE Select); 14 bases into the intron before coding-DNA position 684, G replaced by A.
Molecular consequence: intron variant.
Genome position (GRCh38, 1-based): chr22:28,712,031, C>T on the plus strand (G>A on the coding strand, the complement: CHEK2 is on the minus strand). VCF-style: chr22-28712031-C-T. GRCh37 (hg19) VCF-style: chr22-29108019-C-T.
Other names: c.21-14G>A (NM_001437942.1, NM_001257387.3); c.483-14G>A (NM_001349956.3); c.684-14G>A (NM_145862.3); c.777-14G>A (NM_001438295.1, NM_001438293.1); c.813-14G>A (NM_001438294.1, NM_001005735.3).
Identifiers: ClinVar variation 2825627 (VCV002825627.4), dbSNP rs1555921411, ClinGen allele CA2739265672.